The following is an entry in ClinVar:

NM_003803.4(MYOM1):c.431G>A (p.Arg144His)

Gene: MYOM1 (myomesin 1; minus strand). Cytogenetic location: 18p11.31.
Variant type: single nucleotide variant.
Coding change: c.431G>A on transcript NM_003803.4 (MANE Select); coding-DNA position 431, G replaced by A.
Protein change: p.Arg144His; replaces arginine 144 with histidine.
Molecular consequence: missense variant.
Genome position (GRCh38, 1-based): chr18:3,193,818, C>T on the plus strand (G>A on the coding strand, the complement: MYOM1 is on the minus strand). VCF-style: chr18-3193818-C-T. GRCh37 (hg19) VCF-style: chr18-3193816-C-T.
Other names: c.431G>A, p.Arg144His (NM_019856.2); short protein forms R144H.
Identifiers: ClinVar variation 659513 (VCV000659513.9), dbSNP rs183139046, ClinGen allele CA8875257.

ClinVar aggregate classification (germline): Uncertain significance (1 of 4 stars; one submission).

Conditions:
Hypertrophic cardiomyopathy. Also called: HYPERTROPHIC MYOCARDIOPATHY. Identifiers: Orphanet 217569, MedGen C0007194, MeSH D002312, MONDO:0005045, HP:0001639.

Allele frequency attached by ClinVar (database versions not stated): gnomAD 0.00005 and 0.00006; TOPMed 0.00009; gnomAD exomes 0.00011; 1000 Genomes Project 30x 0.00016; ExAC 0.00016; 1000 Genomes Project 0.00020.
gnomAD v4.1: 87 of 1,610,884 alleles (0.0054%); highest among the groups gnomAD compares: Admixed American, 0.017%; no homozygotes.

Submission:

Labcorp Genetics (formerly Invitae), Labcorp
Classification: Uncertain significance for Hypertrophic cardiomyopathy. Last evaluated: 2025-04-08. Review status: criteria provided, single submitter. Criteria: Invitae Variant Classification Sherloc (09022015). Collection method: clinical testing. Allele origin: germline.
Comment: This sequence change replaces arginine, which is basic and polar, with histidine, which is basic and polar, at codon 144 of the MYOM1 protein (p.Arg144His). This variant is present in population databases (rs183139046, gnomAD 0.02%). This variant has not been reported in the literature in individuals affected with MYOM1-related conditions. ClinVar contains an entry for this variant (Variation ID: 659513). An algorithm developed to predict the effect of missense changes on protein structure and function (PolyPhen-2) suggests that this variant is likely to be tolerated. Algorithms developed to predict the effect of sequence changes on RNA splicing suggest that this variant may create or strengthen a splice site. In summary, the available evidence is currently insufficient to determine the role of this variant in disease. Therefore, it has been classified as a Variant of Uncertain Significance.